The following is an entry in ClinVar:

NM_015599.3(PGM3):c.584C>T (p.Thr195Ile)

Gene: PGM3 (phosphoglucomutase 3; minus strand). Cytogenetic location: 6q14.1.
Variant type: single nucleotide variant.
Coding change: c.584C>T on transcript NM_015599.3 (MANE Select); coding-DNA position 584, C replaced by T.
Protein change: p.Thr195Ile; replaces threonine 195 with isoleucine.
Molecular consequence: missense variant. On other transcripts: non-coding transcript variant (1).
Genome position (GRCh38, 1-based): chr6:83,182,852, G>A on the plus strand (C>T on the coding strand, the complement: PGM3 is on the minus strand). VCF-style: chr6-83182852-G-A. GRCh37 (hg19) VCF-style: chr6-83892571-G-A.
Other names: c.668C>T, p.Thr223Ile (NM_001199917.2, NM_001367287.1); c.341C>T, p.Thr114Ile (NM_001199918.2); c.584C>T, p.Thr195Ile (NM_001199919.2, NM_001367286.1); short protein forms T114I, T223I, T195I.
Identifiers: ClinVar variation 1522291 (VCV001522291.3), dbSNP rs1254419923, ClinGen allele CA364882483.

ClinVar aggregate classification (germline): Uncertain significance (1 of 4 stars; one submission).

Conditions:
Immunodeficiency 23 (IMD23). Also called: IMMUNODEFICIENCY WITH HYPER IgE AND COGNITIVE IMPAIRMENT; IMMUNODEFICIENCY-VASCULITIS-MYOCLONUS SYNDROME. Identifiers: Orphanet 443811, MedGen C4014371, MONDO:0014353, OMIM 615816.

Allele frequency attached by ClinVar (database versions not stated): gnomAD exomes below 0.00001; gnomAD 0.00001.
gnomAD v4.1: 2 of 1,613,376 alleles (0.00012%); highest among the groups gnomAD compares: Non-Finnish European, 0.00017%; no homozygotes.

Submission:

Labcorp Genetics (formerly Invitae), Labcorp
Classification: Uncertain significance for Immunodeficiency 23. Last evaluated: 2022-01-27. Review status: criteria provided, single submitter. Criteria: Invitae Variant Classification Sherloc (09022015). Collection method: clinical testing. Allele origin: germline.
Comment: This sequence change replaces threonine, which is neutral and polar, with isoleucine, which is neutral and non-polar, at codon 223 of the PGM3 protein (p.Thr223Ile). This variant is present in population databases (no rsID available, gnomAD 0.007%). This variant has not been reported in the literature in individuals affected with PGM3-related conditions. Algorithms developed to predict the effect of missense changes on protein structure and function output the following: SIFT: "Tolerated"; PolyPhen-2: "Benign"; Align-GVGD: "Class C0". The isoleucine amino acid residue is found in multiple mammalian species, which suggests that this missense change does not adversely affect protein function. In summary, the available evidence is currently insufficient to determine the role of this variant in disease. Therefore, it has been classified as a Variant of Uncertain Significance.